The following is an entry in ClinVar:

ClinVar aggregate classification (germline): Benign. Review status: criteria provided, multiple submitters, no conflicts (2 of 4 stars). 17 submissions from 17 submitters: Benign (12). 5 of the submissions do not count toward it. Last evaluated 2026-02-04.

Conditions:
Hereditary cancer-predisposing syndrome. Also called: Tumor predisposition; Neoplastic Syndromes, Hereditary; Hereditary Cancer Syndrome; Hereditary neoplastic syndrome. Identifiers: Orphanet 140162, MedGen C0027672, MeSH D009386, MONDO:0015356.
APC-Associated Polyposis Disorders.
Familial adenomatous polyposis 1 (FAP1). Also called: FAMILIAL ADENOMATOUS POLYPOSIS 1, ATTENUATED; POLYPOSIS, ADENOMATOUS INTESTINAL. Identifiers: MedGen C2713442, MONDO:0021056, OMIM 175100. Disease mechanism: loss of function.

Allele frequency attached by ClinVar (database versions not stated): gnomAD exomes 0.00095 and 0.00300; ExAC 0.00351; gnomAD 0.01091 and 0.01170; TOPMed 0.01210; ESP Exome Variant Server 0.01215; 1000 Genomes Project 0.01418; 1000 Genomes Project 30x 0.01468.
gnomAD v4.1: 3,142 of 1,613,928 alleles (0.19%); highest among the groups gnomAD compares: African/African-American, 3.6%; 57 homozygotes.

Submissions (25):

Labcorp Genetics (formerly Invitae), Labcorp
Classification: Benign for Familial adenomatous polyposis 1. Last evaluated: 2026-02-04. Review status: criteria provided, single submitter. Criteria: Invitae Variant Classification Sherloc (09022015). Collection method: clinical testing. Allele origin: germline.

Center for Genomic Medicine, Rigshospitalet, Copenhagen University Hospital
Classification: Benign. Last evaluated: 2025-03-04. Review status: criteria provided, single submitter. Criteria: ACMG Guidelines, 2015. Collection method: clinical testing. Allele origin: germline.

Myriad Genetics, Inc.
Classification: Benign for Familial adenomatous polyposis 1. Last evaluated: 2024-03-06. Review status: criteria provided, single submitter. Criteria: Myriad Autosomal Dominant, Autosomal Recessive and X-Linked Classification Criteria (2023). Collection method: clinical testing. Allele origin: unknown.
Comment: This variant is considered benign. This variant is a silent/synonymous amino acid change and it is not expected to impact splicing.

KCCC/NGS Laboratory, Kuwait Cancer Control Center
Classification: Benign for Familial adenomatous polyposis 1. Last evaluated: 2023-07-07. Review status: criteria provided, single submitter. Criteria: ACMG Guidelines, 2015. Collection method: clinical testing. Allele origin: germline. Affected: yes.

Institute for Biomarker Research, Medical Diagnostic Laboratories, L.L.C.
Classification: Benign for Hereditary cancer-predisposing syndrome. Last evaluated: 2022-09-08. Review status: criteria provided, single submitter. Criteria: ACMG Guidelines, 2015. Collection method: clinical testing. Allele origin: germline.

ARUP Laboratories, Molecular Genetics and Genomics, ARUP Laboratories
Classification: Benign. Last evaluated: 2018-07-15. Review status: criteria provided, single submitter. Criteria: ARUP Molecular Germline Variant Investigation Process. Collection method: clinical testing. Allele origin: germline.

Illumina Laboratory Services, Illumina
Classification: Benign for APC-Associated Polyposis Disorders. Last evaluated: 2018-01-13. Review status: criteria provided, single submitter. Criteria: ICSL Variant Classification Criteria 13 December 2019. Collection method: clinical testing. Allele origin: germline.
Comment: This variant was observed in the ICSL laboratory as part of a predisposition screen in an ostensibly healthy population. It had not been previously curated by ICSL or reported in the Human Gene Mutation Database (HGMD: prior to June 1st, 2018), and was therefore a candidate for classification through an automated scoring system. Utilizing variant allele frequency, disease prevalence and penetrance estimates, and inheritance mode, an automated score was calculated to assess if this variant is too frequent to cause the disease. Based on the score and internal cut-off values, a variant classified as benign is not then subjected to further curation. The score for this variant resulted in a classification of benign for this disease.

Eurofins Ntd Llc (ga)
Classification: Benign. Last evaluated: 2017-02-01. Review status: criteria provided, single submitter. Criteria: EGL Classification Definitions 2015. Collection method: clinical testing. Allele origin: germline. Observed: 2 variant alleles, 2 heterozygotes.

PreventionGenetics, part of Exact Sciences
Classification: Benign. Last evaluated: 2017-01-30. Review status: criteria provided, single submitter. Criteria: ACMG Guidelines, 2015. Collection method: clinical testing. Allele origin: germline.

Color Diagnostics, LLC DBA Color Health
Classification: Benign for Hereditary cancer-predisposing syndrome. Last evaluated: 2016-03-18. Review status: criteria provided, single submitter. Criteria: ACMG Guidelines, 2015. Collection method: clinical testing. Allele origin: germline.

GeneDx
Classification: Benign. Last evaluated: 2015-03-03. Review status: criteria provided, single submitter. Criteria: GeneDx Variant Classification Process June 2021. Collection method: clinical testing. Allele origin: germline. Affected: yes.

Ambry Genetics
Classification: Benign for Hereditary cancer-predisposing syndrome. Last evaluated: 2014-11-19. Review status: criteria provided, single submitter. Criteria: Ambry Variant Classification Scheme 2023. Collection method: clinical testing. Allele origin: germline.

True Health Diagnostics
Classification: Likely benign for Hereditary cancer-predisposing syndrome. Last evaluated: 2018-01-05. Review status: no assertion criteria provided. Collection method: clinical testing. Allele origin: germline. Not counted in ClinVar's aggregate classification.

Clinical Genetics, Academic Medical Center
Classification: Benign. Review status: no assertion criteria provided. Collection method: clinical testing. Allele origin: germline. Affected: yes. Study: VKGL Data-share Consensus. Not counted in ClinVar's aggregate classification.

Department of Pathology and Laboratory Medicine, Sinai Health System
Classification: Benign. Review status: no assertion criteria provided. Collection method: clinical testing. Allele origin: unknown. Affected: yes. Observed: 1 variant allele. Study: The Canadian Open Genetics Repository (COGR). Not counted in ClinVar's aggregate classification.
Comment: The APC p.Glu565Glu variant is not expected to have clinical significance because it does not result in a change of amino acid and is not located in a known consensus splice site. The variant is listed in UMD (3X) as a neutral variant (co-occurring with a pathogenic APC variant in one sample), in the ClinVar database (classified as benign by Ambry Genetics), and in the Invitae database (classified as â€šÃ„Ãºvariant of unknown significanceâ€šÃ„Ã¹ by Emory Genetics). Three of five in silico or computational prediction software programs (SpliceSiteFinder, MaxEntScan, NNSPLICE, GeneSplicer, HumanSpliceFinder) predict the potential creation of a 5â€šÃ„Ã´ splice site; however, this information is not predictive enough to assume pathogenicity. The variant was identified in the literature in 10 of 1695 familial adenomatous polyposis cases (allelic frequency: 0.003); the authors suggest the variant is likely benign due to a co-occurring pathogenic APC variant identified in at least one of these individuals (Kerr 2013). In addition, the variant was identified in several populations at polymorphic allelic frequencies: 1000 Genomes Project (frequency: 0.014), Exome Variant Server ESP project (African American cohort frequency: 0.036, and the ExAC browser (African cohort frequency: 0.038). In summary, based on the above information, this variant meets our laboratory's criteria to be classified as benign.

Dr. Peter K. Rogan Lab, Western University
No classification provided (evidence only). Condition: Colon adenocarcinoma. Review status: no classification provided. Collection method: in vitro. Allele origin: not applicable. Functional consequence: retained intron. Not counted in ClinVar's aggregate classification.

Dr. Peter K. Rogan Lab, Western University
No classification provided (evidence only). Condition: Thyroid cancer, nonmedullary, 1. Review status: no classification provided. Collection method: in vitro. Allele origin: not applicable. Functional consequence: retained intron. Not counted in ClinVar's aggregate classification.

Dr. Peter K. Rogan Lab, Western University
No classification provided (evidence only). Condition: Uterine corpus endometrial carcinoma. Review status: no classification provided. Collection method: in vitro. Allele origin: not applicable. Functional consequence: retained intron. Not counted in ClinVar's aggregate classification.

Dr. Peter K. Rogan Lab, Western University
No classification provided (evidence only). Condition: Uterine corpus endometrial carcinoma. Review status: no classification provided. Collection method: in vitro. Allele origin: not applicable. Functional consequence: retained intron. Not counted in ClinVar's aggregate classification.

Dr. Peter K. Rogan Lab, Western University
No classification provided (evidence only). Condition: Uterine corpus endometrial carcinoma. Review status: no classification provided. Collection method: in vitro. Allele origin: not applicable. Functional consequence: retained intron. Not counted in ClinVar's aggregate classification.

Dr. Peter K. Rogan Lab, Western University
No classification provided (evidence only). Condition: Hepatocellular carcinoma. Review status: no classification provided. Collection method: in vitro. Allele origin: not applicable. Functional consequence: retained intron. Not counted in ClinVar's aggregate classification.

Dr. Peter K. Rogan Lab, Western University
No classification provided (evidence only). Condition: Gastric cancer. Review status: no classification provided. Collection method: in vitro. Allele origin: not applicable. Functional consequence: retained intron. Not counted in ClinVar's aggregate classification.

Dr. Peter K. Rogan Lab, Western University
No classification provided (evidence only). Condition: Gastric cancer. Review status: no classification provided. Collection method: in vitro. Allele origin: not applicable. Functional consequence: retained intron. Not counted in ClinVar's aggregate classification.

Genome Diagnostics Laboratory, Amsterdam University Medical Center
Classification: Benign. Review status: no assertion criteria provided. Collection method: clinical testing. Allele origin: germline. Affected: yes. Study: VKGL Data-share Consensus. Not counted in ClinVar's aggregate classification.

Mayo Clinic Laboratories, Mayo Clinic
Classification: Benign. Review status: no assertion criteria provided. Collection method: clinical testing. Allele origin: unknown. Not counted in ClinVar's aggregate classification.

NM_000038.6(APC):c.1695A>G (p.Glu565=)

Gene: APC (APC regulator of Wnt signaling pathway; plus strand). Cytogenetic location: 5q22.2.
Variant type: single nucleotide variant.
Coding change: c.1695A>G on transcript NM_000038.6 (MANE Select); coding-DNA position 1695, A replaced by G.
Protein change: p.Glu565=; no amino-acid change (glutamic acid 565 retained).
Molecular consequence: synonymous variant.
Genome position (GRCh38, 1-based): chr5:112,828,924, A>G. VCF-style: chr5-112828924-A-G. GRCh37 (hg19) VCF-style: chr5-112164621-A-G.
Other names: c.1695A>G, p.Glu565= (NM_001127510.3, NM_001354895.2); c.1641A>G, p.Glu547= (NM_001127511.3); c.1749A>G, p.Glu583= (NM_001354896.2); c.1725A>G, p.Glu575= (NM_001354897.2); c.1620A>G, p.Glu540= (NM_001354898.2); c.1611A>G, p.Glu537= (NM_001354899.2); c.1572A>G, p.Glu524= (NM_001354900.2); c.1518A>G, p.Glu506= (NM_001354901.2); and 5 more.
Identifiers: ClinVar variation 183766 (VCV000183766.44), dbSNP rs77921116, ClinGen allele CA005459.
Genomic context (GRCh38, chr5:112,828,924, plus strand): 5'-GAGTGTTTTGAGGAATTTGTCTTGGCGAGCAGATGTAAATAGTAAAAAGACGTTGCGAGA[A>G]GTTGGAAGTGTGAAAGCATTGATGGAATGTGCTTTAGAAGTTAAAAAGGTACCTTTGAAA-3'
Protein context (NP_000029.2, residues 555-575): ADVNSKKTLR[Glu565=]VGSVKALMEC